The following is an entry in ClinVar:

NM_025137.4(SPG11):c.2638C>T (p.Pro880Ser)

Gene: SPG11 (SPG11 vesicle trafficking associated, spatacsin; minus strand). Cytogenetic location: 15q21.1.
Variant type: single nucleotide variant.
Coding change: c.2638C>T on transcript NM_025137.4 (MANE Select); coding-DNA position 2638, C replaced by T.
Protein change: p.Pro880Ser; replaces proline 880 with serine.
Molecular consequence: missense variant.
Genome position (GRCh38, 1-based): chr15:44,620,386, G>A on the plus strand (C>T on the coding strand, the complement: SPG11 is on the minus strand). VCF-style: chr15-44620386-G-A. GRCh37 (hg19) VCF-style: chr15-44912584-G-A.
Other names: c.2638C>T, p.Pro880Ser (NM_001160227.2, NM_001411132.1); short protein forms P880S.
Identifiers: ClinVar variation 2199938 (VCV002199938.1), dbSNP rs2505543047, ClinGen allele CA392230960.

ClinVar aggregate classification (germline): Uncertain significance (1 of 4 stars; one submission).

Conditions:
Hereditary spastic paraplegia 11. Also called: Spastic Paraplegia 11; SPASTIC PARAPLEGIA, AUTOSOMAL RECESSIVE, COMPLICATED, WITH THIN CORPUS CALLOSUM; SPASTIC PARAPLEGIA, AUTOSOMAL RECESSIVE, WITH MENTAL IMPAIRMENT AND THIN CORPUS CALLOSUM; Spastic paraplegia, mental retardation and thin corpus callosum; Nakamura Osame syndrome; Autosomal recessive hereditary spastic paraplegia, mental impairment, and thin corpus callosum. Identifiers: Orphanet 2822, MedGen C1858479, MONDO:0011445, OMIM 604360.

Submission:

Labcorp Genetics (formerly Invitae), Labcorp
Classification: Uncertain significance for Hereditary spastic paraplegia 11. Last evaluated: 2022-04-12. Review status: criteria provided, single submitter. Criteria: Invitae Variant Classification Sherloc (09022015). Collection method: clinical testing. Allele origin: germline.
Comment: This sequence change replaces proline, which is neutral and non-polar, with serine, which is neutral and polar, at codon 880 of the SPG11 protein (p.Pro880Ser). This variant is not present in population databases (gnomAD no frequency). This variant has not been reported in the literature in individuals affected with SPG11-related conditions. Algorithms developed to predict the effect of missense changes on protein structure and function output the following: SIFT: "Tolerated"; PolyPhen-2: "Probably Damaging"; Align-GVGD: "Class C0". The serine amino acid residue is found in multiple mammalian species, which suggests that this missense change does not adversely affect protein function. In summary, the available evidence is currently insufficient to determine the role of this variant in disease. Therefore, it has been classified as a Variant of Uncertain Significance.